The following is an entry in ClinVar:

ClinVar aggregate classification (germline): Likely pathogenic (1 of 4 stars; one submission).

Conditions:
Hereditary cancer-predisposing syndrome. Also called: Neoplastic Syndromes, Hereditary; Tumor predisposition; Hereditary neoplastic syndrome; Hereditary Cancer Syndrome. Identifiers: Orphanet 140162, MedGen C0027672, MeSH D009386, MONDO:0015356.

Submission:

Ambry Genetics
Classification: Likely pathogenic for Hereditary cancer-predisposing syndrome. Last evaluated: 2026-07-01. Review status: criteria provided, single submitter. Criteria: Ambry Variant Classification Scheme 2023. Collection method: clinical testing. Allele origin: germline.
Comment: The c.1421G>A variant (also known as p.S474N), located in coding exon 15 of the RB1 gene, results from a G to A substitution at nucleotide position 1421. The amino acid change results in serine to asparagine at codon 474, an amino acid with highly similar properties. However, this change occurs in the last base pair of coding exon 15, which makes it likely to have some effect on normal mRNA splicing. This variant was reported in individual(s) with features consistent with RB1-related retinoblastoma (Ayari Jeridi H et al. Exp Eye Res, 2014 Jul;124:48-55) (Zhang K et al. Hum Mutat, 2008 Apr;29:475-84). Note, this variant is also referred to as g.76920G>A in the literature. This variant is considered to be rare based on population cohorts in the Genome Aggregation Database (gnomAD). This nucleotide position is highly conserved in available vertebrate species. This amino acid position is highly conserved in available vertebrate species. In silico splice site analysis predicts that this alteration will weaken the native splice donor site. In addition, as a missense substitution this is predicted to be inconclusive by in silico analysis. Based on the majority of available evidence to date, this variant is likely to be pathogenic.

Literature cited by the submitters: PubMed 18181215; PubMed 24810223.

NM_000321.3(RB1):c.1421G>A (p.Ser474Asn)

Gene: RB1 (RB transcriptional corepressor 1; plus strand). Cytogenetic location: 13q14.2.
Variant type: single nucleotide variant.
Coding change: c.1421G>A on transcript NM_000321.3 (MANE Select); coding-DNA position 1421, G replaced by A.
Protein change: p.Ser474Asn; replaces serine 474 with asparagine.
Molecular consequence: missense variant.
Genome position (GRCh38, 1-based): chr13:48,380,084, G>A. VCF-style: chr13-48380084-G-A. GRCh37 (hg19) VCF-style: chr13-48954220-G-A.
Other names: c.1421G>A, p.Ser474Asn (NM_001407165.1, NM_001407166.1); short protein forms S474N.
Identifiers: ClinVar variation 5027921 (VCV005027921.1).